The following is an entry in ClinVar:

ClinVar aggregate classification (germline): Conflicting classifications of pathogenicity. Review status: criteria provided, conflicting classifications (1 of 4 stars). 2 submissions from 2 submitters: Likely pathogenic (1); Uncertain significance (1). Last evaluated 2025-03-16.

Conditions:
Cystic fibrosis (CF). Also called: MUCOVISCIDOSIS. Identifiers: Orphanet 586, MedGen C0010674, MONDO:0009061, OMIM 219700. Disease mechanism: loss of function.

Submissions (2):

Labcorp Genetics (formerly Invitae), Labcorp
Classification: Uncertain significance for Cystic fibrosis. Last evaluated: 2025-03-16. Review status: criteria provided, single submitter. Criteria: Invitae Variant Classification Sherloc (09022015). Collection method: clinical testing. Allele origin: germline.
Comment: This sequence change replaces arginine, which is basic and polar, with proline, which is neutral and non-polar, at codon 74 of the CFTR protein (p.Arg74Pro). This variant is not present in population databases (gnomAD no frequency). This missense change has been observed in individual(s) with cystic fibrosis (PMID: 37867076). ClinVar contains an entry for this variant (Variation ID: 1706004). Invitae Evidence Modeling of protein sequence and biophysical properties (such as structural, functional, and spatial information, amino acid conservation, physicochemical variation, residue mobility, and thermodynamic stability) indicates that this missense variant is expected to disrupt CFTR protein function with a positive predictive value of 80%. In summary, the available evidence is currently insufficient to determine the role of this variant in disease. Therefore, it has been classified as a Variant of Uncertain Significance.

Institute of Human Genetics, University of Leipzig Medical Center
Classification: Likely pathogenic for Cystic fibrosis. Last evaluated: 2022-09-05. Review status: criteria provided, single submitter. Criteria: ACMG Guidelines, 2015. Collection method: curation. Allele origin: unknown. Affected: yes. Observed: 1 variant allele.
Comment: The variant was classified in the context of a project re-classifying variants in the German Cystic Fibrosis Registry (Muko.e.V.). Criteria applied: PM2_SUP, PM5_STR, PP3

Literature cited by the submitters: PubMed 37867076 (cited by Labcorp Genetics (formerly Invitae), Labcorp).

NM_000492.4(CFTR):c.221G>C (p.Arg74Pro)

Gene: CFTR (CF transmembrane conductance regulator; plus strand). Cytogenetic location: 7q31.2.
Variant type: single nucleotide variant.
Coding change: c.221G>C on transcript NM_000492.4 (MANE Select); coding-DNA position 221, G replaced by C.
Protein change: p.Arg74Pro; replaces arginine 74 with proline.
Molecular consequence: missense variant.
Genome position (GRCh38, 1-based): chr7:117,509,090, G>C. VCF-style: chr7-117509090-G-C. GRCh37 (hg19) VCF-style: chr7-117149144-G-C.
Other names: R74P.
Identifiers: ClinVar variation 1706004 (VCV001706004.2), dbSNP rs142540482, ClinGen allele CA368972210.